The following is an entry in ClinVar:

NM_000038.6(APC):c.1570G>A (p.Gly524Ser)

Gene: APC (APC regulator of Wnt signaling pathway; plus strand). Cytogenetic location: 5q22.2.
Variant type: single nucleotide variant.
Coding change: c.1570G>A on transcript NM_000038.6 (MANE Select); coding-DNA position 1570, G replaced by A.
Protein change: p.Gly524Ser; replaces glycine 524 with serine.
Molecular consequence: missense variant.
Genome position (GRCh38, 1-based): chr5:112,827,950, G>A. VCF-style: chr5-112827950-G-A. GRCh37 (hg19) VCF-style: chr5-112163647-G-A.
Other names: c.1447G>A, p.Gly483Ser (NM_001354900.2); c.1393G>A, p.Gly465Ser (NM_001354901.2); c.1297G>A, p.Gly433Ser (NM_001354902.2); c.1267G>A, p.Gly423Ser (NM_001354903.2); c.1192G>A, p.Gly398Ser (NM_001354904.2); c.1090G>A, p.Gly364Ser (NM_001354905.2); c.721G>A, p.Gly241Ser (NM_001354906.2); c.1570G>A, p.Gly524Ser (NM_001127510.3, NM_001354895.2); and 5 more; short protein forms G506S, G524S, G241S, G542S, G364S, G423S, G483S, G496S.
Identifiers: ClinVar variation 482267 (VCV000482267.6), dbSNP rs1174962542, ClinGen allele CA16024737.
Genomic context (GRCh38, chr5:112,827,950, plus strand): 5'-GTCTTTTTAATGATCCTCTATTCTGTATTTAATTTACAGGCTACGCTATGCTCTATGAAA[G>A]GCTGCATGAGAGCACTTGTGGCCCAACTAAAATCTGAAAGTGAAGACTTACAGCAGGTAC-3'
Protein context (NP_000029.2, residues 514-534): ANKATLCSMK[Gly524Ser]CMRALVAQLK

ClinVar aggregate classification (germline): Uncertain significance. Review status: criteria provided, multiple submitters, no conflicts (2 of 4 stars). 2 submissions from 2 submitters: Uncertain significance (2). Last evaluated 2025-03-04.

Conditions:
Hereditary cancer-predisposing syndrome. Also called: Neoplastic Syndromes, Hereditary; Tumor predisposition; Hereditary Cancer Syndrome; Hereditary neoplastic syndrome. Identifiers: Orphanet 140162, MedGen C0027672, MeSH D009386, MONDO:0015356.

Submissions (2):

Center for Genomic Medicine, Rigshospitalet, Copenhagen University Hospital
Classification: Uncertain significance. Last evaluated: 2025-03-04. Review status: criteria provided, single submitter. Criteria: ACMG Guidelines, 2015. Collection method: clinical testing. Allele origin: germline.

Ambry Genetics
Classification: Uncertain significance for Hereditary cancer-predisposing syndrome. Last evaluated: 2021-07-23. Review status: criteria provided, single submitter. Criteria: Ambry Variant Classification Scheme 2023. Collection method: clinical testing. Allele origin: germline.
Comment: The p.G524S variant (also known as c.1570G>A), located in coding exon 12 of the APC gene, results from a G to A substitution at nucleotide position 1570. The glycine at codon 524 is replaced by serine, an amino acid with similar properties. This amino acid position is highly conserved in available vertebrate species. In addition, in silico predictors for this gene do not accurately predict pathogenicity. Since supporting evidence is limited at this time, the clinical significance of this alteration remains unclear.